The following is an entry in ClinVar:

ClinVar aggregate classification (germline): Uncertain significance (1 of 4 stars; one submission).

Allele frequency attached by ClinVar (database versions not stated): gnomAD exomes below 0.00001; TOPMed below 0.00001; ExAC 0.00001; gnomAD 0.00001.
gnomAD v4.1: 5 of 1,206,643 alleles (0.00041%); highest among the groups gnomAD compares: Non-Finnish European, 0.00056%; no homozygotes.

Submission:

Labcorp Genetics (formerly Invitae), Labcorp
Classification: Uncertain significance. Last evaluated: 2022-06-01. Review status: criteria provided, single submitter. Criteria: Invitae Variant Classification Sherloc (09022015). Collection method: clinical testing. Allele origin: germline.
Comment: This sequence change replaces proline, which is neutral and non-polar, with serine, which is neutral and polar, at codon 306 of the AVPR2 protein (p.Pro306Ser). The frequency data for this variant in the population databases is considered unreliable, as metrics indicate poor data quality at this position in the gnomAD database. This variant has not been reported in the literature in individuals affected with AVPR2-related conditions. Advanced modeling of protein sequence and biophysical properties (such as structural, functional, and spatial information, amino acid conservation, physicochemical variation, residue mobility, and thermodynamic stability) performed at Invitae indicates that this missense variant is not expected to disrupt AVPR2 protein function. In summary, the available evidence is currently insufficient to determine the role of this variant in disease. Therefore, it has been classified as a Variant of Uncertain Significance.

NM_000054.7(AVPR2):c.916C>T (p.Pro306Ser)

Gene: AVPR2 (arginine vasopressin receptor 2; plus strand). Cytogenetic location: Xq28.
Variant type: single nucleotide variant.
Coding change: c.916C>T on transcript NM_000054.7 (MANE Select); coding-DNA position 916, C replaced by T.
Protein change: p.Pro306Ser; replaces proline 306 with serine.
Molecular consequence: missense variant. On other transcripts: 3 prime UTR variant (1), non-coding transcript variant (1).
Genome position (GRCh38, 1-based): chrX:153,906,528, C>T. VCF-style: chrX-153906528-C-T. GRCh37 (hg19) VCF-style: chrX-153171982-C-T.
Other names: c.*92C>T (NM_001146151.3); short protein forms P306S.
Identifiers: ClinVar variation 1913634 (VCV001913634.2), dbSNP rs782682002, ClinGen allele CA10555112.